The following is an entry in ClinVar:

NM_138425.4(C12orf57):c.356C>T (p.Ala119Val)

Gene: C12orf57 (chromosome 12 open reading frame 57; plus strand). Cytogenetic location: 12p13.31.
Variant type: single nucleotide variant.
Coding change: c.356C>T on transcript NM_138425.4 (MANE Select); coding-DNA position 356, C replaced by T.
Protein change: p.Ala119Val; replaces alanine 119 with valine.
Molecular consequence: missense variant. On other transcripts: non-coding transcript variant (1).
Genome position (GRCh38, 1-based): chr12:6,945,897, C>T. VCF-style: chr12-6945897-C-T. GRCh37 (hg19) VCF-style: chr12-7055060-C-T.
Other names: c.356C>T, p.Ala119Val (NM_001301834.1); c.317C>T, p.Ala106Val (NM_001301836.2); c.269C>T, p.Ala90Val (NM_001301837.2); c.251C>T, p.Ala84Val (NM_001301838.2); short protein forms A106V, A119V, A84V, A90V.
Identifiers: ClinVar variation 836585 (VCV000836585.8), dbSNP rs145396836, ClinGen allele CA6421363.

ClinVar aggregate classification (germline): Uncertain significance. Review status: criteria provided, multiple submitters, no conflicts (2 of 4 stars). 2 submissions from 2 submitters: Uncertain significance (2). Last evaluated 2026-07-30.

Conditions:
C12orf57-related disorder. Also called: C12orf57-related condition.
Temtamy syndrome (TEMTYS). Also called: MENTAL RETARDATION WITH OR WITHOUT CRANIOFACIAL DYSMORPHISM, OCULAR COLOBOMA, OR ABNORMAL CORPUS CALLOSUM. Identifiers: Orphanet 1777, MedGen C1857512, MONDO:0009033, OMIM 218340.

Allele frequency attached by ClinVar (database versions not stated): gnomAD exomes below 0.00001 and 0.00001; ExAC 0.00002; gnomAD 0.00004; TOPMed 0.00009; 1000 Genomes Project 30x 0.00016; 1000 Genomes Project 0.00020.

Submissions (2):

PreventionGenetics, part of Exact Sciences
Classification: Uncertain significance for C12orf57-related condition. Last evaluated: 2026-07-30. Review status: criteria provided, single submitter. Criteria: ACMG Guidelines, 2015. Collection method: clinical testing. Allele origin: germline.
Comment: The C12orf57 c.356C>T variant is predicted to result in the amino acid substitution p.Ala119Val. To our knowledge, this variant has not been reported in the literature. This variant is reported in 0.016% of alleles in individuals of African descent in gnomAD. At this time, the clinical significance of this variant is uncertain due to the absence of conclusive functional and genetic evidence.

Labcorp Genetics (formerly Invitae), Labcorp
Classification: Uncertain significance for Temtamy syndrome. Last evaluated: 2022-07-25. Review status: criteria provided, single submitter. Criteria: Invitae Variant Classification Sherloc (09022015). Collection method: clinical testing. Allele origin: germline.
Comment: This sequence change replaces alanine, which is neutral and non-polar, with valine, which is neutral and non-polar, at codon 119 of the C12orf57 protein (p.Ala119Val). The frequency data for this variant in the population databases is considered unreliable, as metrics indicate poor data quality at this position in the gnomAD database. This variant has not been reported in the literature in individuals affected with C12orf57-related conditions. ClinVar contains an entry for this variant (Variation ID: 836585). Algorithms developed to predict the effect of missense changes on protein structure and function (SIFT, PolyPhen-2, Align-GVGD) all suggest that this variant is likely to be tolerated. In summary, the available evidence is currently insufficient to determine the role of this variant in disease. Therefore, it has been classified as a Variant of Uncertain Significance.